The following is an entry in ClinVar:

ClinVar aggregate classification (germline): Benign/Likely benign. Review status: criteria provided, multiple submitters, no conflicts (2 of 4 stars). 7 submissions from 6 submitters: Benign (2); Likely benign (4). 1 of the submissions does not count toward it. Last evaluated 2026-01-17.

Conditions:
COL4A1-related disorder. Also called: COL4A1-related disorders; COL4A1-related condition. Identifiers: MedGen CN376119, MONDO:0800461.
Brain small vessel disease 1 with or without ocular anomalies (BSVD1). Also called: Brain small vessel disease with or without ocular anomalies; GOULD SYNDROME 1; PORENCEPHALY, TYPE 1, AUTOSOMAL DOMINANT; BRAIN SMALL VESSEL DISEASE WITH HEMORRHAGE. Identifiers: Orphanet 2940, Orphanet 36383, Orphanet 99810, MedGen C4755307, MONDO:0008289, OMIM 175780.
Autosomal dominant familial hematuria-retinal arteriolar tortuosity-contractures syndrome. Also called: Hereditary Angiopathy with Nephropathy, Aneurysms, and Muscle Cramps (HANAC) Syndrome; Angiopathy, hereditary, with nephropathy, aneurysms, and muscle cramps. Identifiers: Orphanet 73229, MedGen C2673195, MONDO:0012726, OMIM 611773.
Inborn genetic diseases. Identifiers: MedGen C0950123, MeSH D030342.

Allele frequency attached by ClinVar (database versions not stated): ExAC 0.00012; gnomAD 0.00012 and 0.00014; TOPMed 0.00014; ESP Exome Variant Server 0.00015.
gnomAD v4.1: 165 of 1,614,154 alleles (0.01%); highest among the groups gnomAD compares: Middle Eastern, 0.099%; no homozygotes.

Submissions (7):

Labcorp Genetics (formerly Invitae), Labcorp
Classification: Likely benign. Last evaluated: 2026-01-17. Review status: criteria provided, single submitter. Criteria: Invitae Variant Classification Sherloc (09022015). Collection method: clinical testing. Allele origin: germline.

Mayo Clinic Laboratories, Mayo Clinic
Classification: Likely benign. Last evaluated: 2025-04-14. Review status: criteria provided, single submitter. Criteria: ACMG Guidelines, 2015. Collection method: clinical testing. Allele origin: germline. Observed: 1 variant allele.
Comment: BS1, BP4_moderate

Blueprint Genetics
Classification: Likely benign. Last evaluated: 2024-10-18. Review status: criteria provided, single submitter. Criteria: ACMG Guidelines, 2015. Collection method: clinical testing. Allele origin: germline.

Ambry Genetics
Classification: Likely benign for Inborn genetic diseases. Last evaluated: 2022-04-07. Review status: criteria provided, single submitter. Criteria: Ambry Variant Classification Scheme 2023. Collection method: clinical testing. Allele origin: germline.

Illumina Laboratory Services, Illumina
Classification: Benign for Brain small vessel disease 1 with or without ocular anomalies. Last evaluated: 2018-01-13. Review status: criteria provided, single submitter. Criteria: ICSL Variant Classification Criteria 13 December 2019. Collection method: clinical testing. Allele origin: germline.
Comment: This variant was observed in the ICSL laboratory as part of a predisposition screen in an ostensibly healthy population. It had not been previously curated by ICSL or reported in the Human Gene Mutation Database (HGMD: prior to June 1st, 2018), and was therefore a candidate for classification through an automated scoring system. Utilizing variant allele frequency, disease prevalence and penetrance estimates, and inheritance mode, an automated score was calculated to assess if this variant is too frequent to cause the disease. Based on the score and internal cut-off values, a variant classified as benign is not then subjected to further curation. The score for this variant resulted in a classification of benign for this disease.

Illumina Laboratory Services, Illumina
Classification: Benign for Autosomal dominant familial hematuria-retinal arteriolar tortuosity-contractures syndrome. Last evaluated: 2018-01-13. Review status: criteria provided, single submitter. Criteria: ICSL Variant Classification Criteria 13 December 2019. Collection method: clinical testing. Allele origin: germline.
Comment: the same text as in the submission from Illumina Laboratory Services, Illumina above.

PreventionGenetics, part of Exact Sciences
Classification: Likely benign for COL4A1-related condition. Last evaluated: 2022-05-13. Review status: no assertion criteria provided. Collection method: clinical testing. Allele origin: germline. Not counted in ClinVar's aggregate classification.
Comment: This variant is classified as likely benign based on ACMG/AMP sequence variant interpretation guidelines (Richards et al. 2015 PMID: 25741868, with internal and published modifications).

NM_001845.6(COL4A1):c.1360A>G (p.Ile454Val)

Genes: COL4A1 (collagen type IV alpha 1 chain; minus strand), LOC126861856 (BRD4-independent group 4 enhancer GRCh37_chr13:110846747-110847946; plus strand). Cytogenetic location: 13q34.
Variant type: single nucleotide variant.
Coding change: c.1360A>G on transcript NM_001845.6 (MANE Select); coding-DNA position 1360, A replaced by G.
Protein change: p.Ile454Val; replaces isoleucine 454 with valine.
Molecular consequence: missense variant.
Genome position (GRCh38, 1-based): chr13:110,195,044, T>C on the plus strand (A>G on the coding strand, the complement: COL4A1 is on the minus strand). VCF-style: chr13-110195044-T-C. GRCh37 (hg19) VCF-style: chr13-110847391-T-C.
Other names: p.Ile454Val; c.1360A>G, p.Ile454Val (NM_001303110.2); short protein forms I454V.
Identifiers: ClinVar variation 712713 (VCV000712713.20), dbSNP rs373712845, ClinGen allele CA7047983.